The following is an entry in ClinVar:

NM_000218.3(KCNQ1):c.1621G>A (p.Val541Ile)

Gene: KCNQ1 (potassium voltage-gated channel subfamily Q member 1; plus strand). Cytogenetic location: 11p15.5.
Variant type: single nucleotide variant.
Coding change: c.1621G>A on transcript NM_000218.3 (MANE Select); coding-DNA position 1621, G replaced by A.
Protein change: p.Val541Ile; replaces valine 541 with isoleucine.
Molecular consequence: missense variant.
Genome position (GRCh38, 1-based): chr11:2,775,990, G>A. VCF-style: chr11-2775990-G-A. GRCh37 (hg19) VCF-style: chr11-2797220-G-A.
Other names: p.V541I:GTC>ATC; c.1621G>A (LRG_287t1); c.1525G>A, p.Val509Ile (NM_001406836.1); c.1351G>A, p.Val451Ile (NM_001406837.1); c.1081G>A, p.Val361Ile (NM_001406838.1); c.1240G>A, p.Val414Ile (NM_181798.2); short protein forms V541I, V414I, V509I, V451I, V361I.
Identifiers: ClinVar variation 67043 (VCV000067043.32), dbSNP rs199472796, ClinGen allele CA006005.

ClinVar aggregate classification (germline): Uncertain significance. Review status: criteria provided, multiple submitters, no conflicts (2 of 4 stars). 13 submissions from 13 submitters: Uncertain significance (10). 3 of the submissions do not count toward it. Last evaluated 2026-06-01.

Conditions:
Cardiovascular phenotype. Identifiers: MedGen CN230736.
Cardiac arrhythmia. Also called: Arrhythmia; Cardiac rhythm disease. Identifiers: MedGen C0003811, MONDO:0007263, HP:0011675.
Familial long QT syndrome (RWS). Also called: Congenital long QT syndrome; Romano-Ward syndrome; VENTRICULAR FIBRILLATION WITH PROLONGED QT INTERVAL. Identifiers: Orphanet 768, MedGen C1141890, MONDO:0019171.
Long QT syndrome (LQTS). Identifiers: MedGen C0023976, MeSH D008133, MONDO:0002442. Disease mechanism: loss of function. Inheritance: Various modes of inheritance.
Wolff-Parkinson-White pattern. Also called: Auriculoventricular accessory pathway syndrome; False bundle branch block syndrome; Anomalous ventricular excitation syndrome; WPW SYNDROME. Identifiers: MedGen C0043202, MONDO:0008685, OMIM 194200, HP:0001716.
Long QT syndrome 1 (LQT1). Identifiers: Orphanet 101016, Orphanet 768, MedGen C4551647, MONDO:0100316, OMIM 192500, MONDO:0008646.

Allele frequency attached by ClinVar (database versions not stated): TOPMed 0.00004; gnomAD 0.00002; gnomAD exomes 0.00003; ExAC 0.00004.
gnomAD v4.1: 53 of 1,570,346 alleles (0.0034%); highest among the groups gnomAD compares: Middle Eastern, 0.017%; no homozygotes.

Submissions (13):

CeGaT Center for Human Genetics Tuebingen
Classification: Uncertain significance. Last evaluated: 2026-06-01. Review status: criteria provided, single submitter. Criteria: CeGaT Center For Human Genetics Tuebingen Variant Classification Criteria Version 2. Collection method: clinical testing. Allele origin: germline. Affected: yes. Observed: 1 variant allele.
Comment: KCNQ1: PM2, PP3

Color Diagnostics, LLC DBA Color Health
Classification: Uncertain significance for Cardiac arrhythmia. Last evaluated: 2025-08-25. Review status: criteria provided, single submitter. Criteria: ACMG Guidelines, 2015. Collection method: clinical testing. Allele origin: germline.
Comment: This missense variant replaces valine with isoleucine at codon 541 of the KCNQ1 protein. Computational prediction suggests that this variant may have deleterious impact on protein structure and function. To our knowledge, functional studies have not been reported for this variant. This variant has been reported in an individual referred for long QT syndrome genetic testing (PMID: 19716085). This variant has been identified in 5/184336 chromosomes in the general population by the Genome Aggregation Database (gnomAD). The available evidence is insufficient to determine the role of this variant in disease conclusively. Therefore, this variant is classified as a Variant of Uncertain Significance.

Blueprint Genetics
Classification: Uncertain significance. Last evaluated: 2024-11-14. Review status: criteria provided, single submitter. Criteria: ACMG Guidelines, 2015. Collection method: clinical testing. Allele origin: germline.

Labcorp Genetics (formerly Invitae), Labcorp
Classification: Uncertain significance for Long QT syndrome. Last evaluated: 2024-10-12. Review status: criteria provided, single submitter. Criteria: Invitae Variant Classification Sherloc (09022015). Collection method: clinical testing. Allele origin: germline.
Comment: This sequence change replaces valine, which is neutral and non-polar, with isoleucine, which is neutral and non-polar, at codon 541 of the KCNQ1 protein (p.Val541Ile). The frequency data for this variant in the population databases is considered unreliable, as metrics indicate poor data quality at this position in the gnomAD database. This missense change has been observed in individual(s) with clinical features of long QT syndrome (LQTS) (PMID: 19716085; internal data). ClinVar contains an entry for this variant (Variation ID: 67043). Invitae Evidence Modeling of protein sequence and biophysical properties (such as structural, functional, and spatial information, amino acid conservation, physicochemical variation, residue mobility, and thermodynamic stability) has been performed for this missense variant. However, the output from this modeling did not meet the statistical confidence thresholds required to predict the impact of this variant on KCNQ1 protein function. In summary, the available evidence is currently insufficient to determine the role of this variant in disease. Therefore, it has been classified as a Variant of Uncertain Significance.

All of Us Research Program, National Institutes of Health
Classification: Uncertain significance for Long QT syndrome. Last evaluated: 2023-12-13. Review status: criteria provided, single submitter. Criteria: ACMG Guidelines, 2015. Collection method: clinical testing. Allele origin: germline. Inheritance: Autosomal dominant inheritance. Observed: 15 variant alleles, 15 heterozygotes.
Comment: This missense variant replaces valine with isoleucine at codon 541 of the KCNQ1 protein. Computational prediction suggests that this variant may have deleterious impact on protein structure and function (internally defined REVEL score threshold >= 0.7, PMID: 27666373). To our knowledge, functional studies have not been reported for this variant. This variant has been reported in an individual referred for long QT syndrome genetic testing (PMID: 19716085). This variant has been identified in 5/184336 chromosomes in the general population by the Genome Aggregation Database (gnomAD). The available evidence is insufficient to determine the role of this variant in disease conclusively. Therefore, this variant is classified as a Variant of Uncertain Significance.

This study involves interpretation of variants in research participants for the purpose of population health screening. Participant phenotype was not available at the time of variant classification. Additional details can be found in publication PMID: 35346344, PMCID: PMC8962531

AiLife Diagnostics
Classification: Uncertain significance. Last evaluated: 2022-01-06. Review status: criteria provided, single submitter. Criteria: ACMG Guidelines, 2015. Collection method: clinical testing. Allele origin: germline. Affected: yes. Observed: 1 variant allele.

Mayo Clinic Laboratories, Mayo Clinic
Classification: Uncertain significance. Last evaluated: 2021-09-09. Review status: criteria provided, single submitter. Criteria: ACMG Guidelines, 2015. Collection method: clinical testing. Allele origin: germline.

Ambry Genetics
Classification: Uncertain significance for Cardiovascular phenotype. Last evaluated: 2021-03-22. Review status: criteria provided, single submitter. Criteria: Ambry Variant Classification Scheme 2023. Collection method: clinical testing. Allele origin: germline.

GeneDx
Classification: Uncertain significance. Last evaluated: 2020-03-30. Review status: criteria provided, single submitter. Criteria: GeneDx Variant Classification Process June 2021. Collection method: clinical testing. Allele origin: germline. Affected: yes.
Comment: Reported in at least one individual in association with LQTS (Kapplinger et al., 2009; Kapplinger et al., 2015); Reported in ClinVar as a variant of uncertain significance by several other clinical laboratories (ClinVar Variant ID#67043; Landrum et al., 2016); Not observed at a significant frequency in large population cohorts (Lek et al., 2016); In silico analysis, which includes protein predictors and evolutionary conservation, supports that this variant does not alter protein structure/function; This variant is associated with the following publications: (PMID: 19716085, 25854863, 22581653, 29021305, 32048431, 32233023)

Laboratory for Molecular Medicine, Mass General Brigham Personalized Medicine
Classification: Uncertain significance. Last evaluated: 2016-07-26. Review status: criteria provided, single submitter. Criteria: LMM Criteria. Collection method: clinical testing. Allele origin: germline.
Comment: Variant identified in a genome or exome case(s) and assessed due to predicted null impact of the variant or pathogenic assertions in the literature or databases. Disclaimer: This variant has not undergone full assessment. ClinVar: Path by GeneDx

Lupski Lab, Baylor-Hopkins CMG, Baylor College of Medicine
Classification: Uncertain significance for Wolff-Parkinson-White pattern. Last evaluated: 2017-07-14. Review status: no assertion criteria provided. Collection method: research. Allele origin: inherited. Affected: yes. Observed: 1 variant allele. Study: Candidate_variants_in_patients_with_ Wolff-Parkinson-White Syndrome. Not counted in ClinVar's aggregate classification.

Cardiovascular Biomedical Research Unit, Royal Brompton & Harefield NHS Foundation Trust
No classification provided. Condition: Familial long QT syndrome. Review status: no classification provided. Collection method: literature only. Allele origin: germline. Not counted in ClinVar's aggregate classification.
Comment: This variant has been reported as associated with Long QT syndrome in the following publications (PMID:19716085). This is a literature report, and does not necessarily reflect the clinical interpretation of the Imperial College / Royal Brompton Cardiovascular Genetics laboratory.

MVZ Martinsried, Medicover Genetics
Classification: Likely pathogenic for Long QT syndrome 1. Last evaluated: 2019-07-22. Review status: flagged submission. Criteria: ACMG Guidelines, 2015. Collection method: clinical testing. Allele origin: unknown. Affected: yes. Not counted in ClinVar's aggregate classification.
ClinVar note: Reason: Outlier claim with insufficient supporting evidence

Literature cited by the submitters: PubMed 19716085 (cited by 5 submitters); PubMed 32233023 (cited by AiLife Diagnostics); PubMed 32048431 (cited by AiLife Diagnostics); PubMed 22581653 (cited by Cardiovascular Biomedical Research Unit, Royal Brompton & Harefield NHS Foundation Trust).